The following is an entry in ClinVar:

NM_005732.4(RAD50):c.839A>G (p.Lys280Arg)

Gene: RAD50 (RAD50 double strand break repair protein; plus strand). Cytogenetic location: 5q31.1.
Variant type: single nucleotide variant.
Coding change: c.839A>G on transcript NM_005732.4 (MANE Select); coding-DNA position 839, A replaced by G.
Protein change: p.Lys280Arg; replaces lysine 280 with arginine.
Molecular consequence: missense variant.
Genome position (GRCh38, 1-based): chr5:132,587,644, A>G. VCF-style: chr5-132587644-A-G. GRCh37 (hg19) VCF-style: chr5-131923336-A-G.
Other names: short protein forms K280R.
Identifiers: ClinVar variation 4149730 (VCV004149730.1).

ClinVar aggregate classification (germline): Uncertain significance (1 of 4 stars; one submission).

Conditions:
Hereditary cancer-predisposing syndrome. Also called: Hereditary neoplastic syndrome; Neoplastic Syndromes, Hereditary; Tumor predisposition; Hereditary Cancer Syndrome. Identifiers: Orphanet 140162, MedGen C0027672, MeSH D009386, MONDO:0015356.

Submission:

Ambry Genetics
Classification: Uncertain significance for Hereditary cancer-predisposing syndrome. Last evaluated: 2025-08-12. Review status: criteria provided, single submitter. Criteria: Ambry Variant Classification Scheme 2023. Collection method: clinical testing. Allele origin: germline.
Comment: The p.K280R variant (also known as c.839A>G), located in coding exon 6 of the RAD50 gene, results from an A to G substitution at nucleotide position 839. The lysine at codon 280 is replaced by arginine, an amino acid with highly similar properties. This amino acid position is conserved. In addition, this alteration is predicted to be tolerated by in silico analysis. Based on the available evidence, the clinical significance of this variant remains unclear.